The following is an entry in ClinVar:

ClinVar aggregate classification (germline): Likely benign (1 of 4 stars; one submission).

Submission:

CeGaT Center for Human Genetics Tuebingen
Classification: Likely benign. Last evaluated: 2025-08-01. Review status: criteria provided, single submitter. Criteria: CeGaT Center For Human Genetics Tuebingen Variant Classification Criteria Version 2. Collection method: clinical testing. Allele origin: germline. Affected: yes. Observed: 2 variant alleles.
Comment: KIF26A: BS2

NM_015656.2(KIF26A):c.2197G>A (p.Ala733Thr)

Gene: KIF26A (kinesin family member 26A; plus strand). Cytogenetic location: 14q32.33.
Variant type: single nucleotide variant.
Coding change: c.2197G>A on transcript NM_015656.2 (MANE Select); coding-DNA position 2197, G replaced by A.
Protein change: p.Ala733Thr; replaces alanine 733 with threonine.
Molecular consequence: missense variant.
Genome position (GRCh38, 1-based): chr14:104,174,985, G>A. VCF-style: chr14-104174985-G-A. GRCh37 (hg19) VCF-style: chr14-104641322-G-A.
Other names: short protein forms A733T.
Identifiers: ClinVar variation 3898216 (VCV003898216.7).